The following is an entry in ClinVar:

ClinVar aggregate classification (germline): Uncertain significance (1 of 4 stars; one submission).

Allele frequency attached by ClinVar (database versions not stated): gnomAD 0.00001; ESP Exome Variant Server 0.00008; gnomAD exomes below 0.00001.
gnomAD v4.1: 7 of 1,613,844 alleles (0.00043%); highest among the groups gnomAD compares: African/African-American, 0.0013%; no homozygotes.

Submission:

Labcorp Genetics (formerly Invitae), Labcorp
Classification: Uncertain significance. Last evaluated: 2025-07-29. Review status: criteria provided, single submitter. Criteria: Invitae Variant Classification Sherloc (09022015). Collection method: clinical testing. Allele origin: germline.
Comment: This sequence change replaces aspartic acid, which is acidic and polar, with asparagine, which is neutral and polar, at codon 900 of the FLNB protein (p.Asp900Asn). This variant is present in population databases (rs142925991, gnomAD 0.0009%). This variant has not been reported in the literature in individuals affected with FLNB-related conditions. ClinVar contains an entry for this variant (Variation ID: 3023131). Invitae Evidence Modeling of protein sequence and biophysical properties (such as structural, functional, and spatial information, amino acid conservation, physicochemical variation, residue mobility, and thermodynamic stability) indicates that this missense variant is not expected to disrupt FLNB protein function with a negative predictive value of 95%. In summary, the available evidence is currently insufficient to determine the role of this variant in disease. Therefore, it has been classified as a Variant of Uncertain Significance.

NM_001457.4(FLNB):c.2698G>A (p.Asp900Asn)

Gene: FLNB (filamin B; plus strand). Cytogenetic location: 3p14.3.
Variant type: single nucleotide variant.
Coding change: c.2698G>A on transcript NM_001457.4 (MANE Select); coding-DNA position 2698, G replaced by A.
Protein change: p.Asp900Asn; replaces aspartic acid 900 with asparagine.
Molecular consequence: missense variant.
Genome position (GRCh38, 1-based): chr3:58,112,271, G>A. VCF-style: chr3-58112271-G-A. GRCh37 (hg19) VCF-style: chr3-58097998-G-A.
Other names: c.2698G>A, p.Asp900Asn (NM_001164317.2, NM_001164318.2, NM_001164319.2); short protein forms D900N.
Identifiers: ClinVar variation 3023131 (VCV003023131.3), dbSNP rs142925991, ClinGen allele CA75437515.